The following is an entry in ClinVar:

NM_015662.3(IFT172):c.1367A>T (p.Asn456Ile)

Gene: IFT172 (intraflagellar transport 172; minus strand). Cytogenetic location: 2p23.3.
Variant type: single nucleotide variant.
Coding change: c.1367A>T on transcript NM_015662.3 (MANE Select); coding-DNA position 1367, A replaced by T.
Protein change: p.Asn456Ile; replaces asparagine 456 with isoleucine.
Molecular consequence: missense variant.
Genome position (GRCh38, 1-based): chr2:27,476,685, T>A on the plus strand (A>T on the coding strand, the complement: IFT172 is on the minus strand). VCF-style: chr2-27476685-T-A. GRCh37 (hg19) VCF-style: chr2-27699552-T-A.
Other names: c.1367A>T (NM_015662.2); short protein forms N456I.
Identifiers: ClinVar variation 1485396 (VCV001485396.10), dbSNP rs528303561, ClinGen allele CA1580683.

ClinVar aggregate classification (germline): Uncertain significance. Review status: criteria provided, multiple submitters, no conflicts (2 of 4 stars). 3 submissions from 3 submitters: Uncertain significance (2). 1 of the submissions does not count toward it. Last evaluated 2024-03-04.

Conditions:
Retinitis pigmentosa 71 (RP71). Identifiers: Orphanet 791, MedGen C4225342, MONDO:0014618, OMIM 616394.
Short-rib thoracic dysplasia 10 with or without polydactyly (SRTD10). Identifiers: Orphanet 474, MedGen C3810175, MONDO:0014284, OMIM 615630.
Bardet-Biedl syndrome 20. Identifiers: MedGen C4310707, MONDO:0023670, OMIM 619471, MONDO:0014926.
IFT172-related disorder. Also called: IFT172-related disorders; IFT172-related condition.

Allele frequency attached by ClinVar (database versions not stated): gnomAD exomes below 0.00001; ExAC 0.00001; gnomAD 0.00002 and 0.00003; TOPMed 0.00002; 1000 Genomes Project 30x 0.00016; 1000 Genomes Project 0.00020.
gnomAD v4.1: 7 of 1,612,614 alleles (0.00043%); highest among the groups gnomAD compares: African/African-American, 0.0093%; no homozygotes.

Submissions (3):

Labcorp Genetics (formerly Invitae), Labcorp
Classification: Uncertain significance for Retinitis pigmentosa 71; Short-rib thoracic dysplasia 10 with or without polydactyly. Last evaluated: 2024-03-04. Review status: criteria provided, single submitter. Criteria: Invitae Variant Classification Sherloc (09022015). Collection method: clinical testing. Allele origin: germline.
Comment: This sequence change replaces asparagine, which is neutral and polar, with isoleucine, which is neutral and non-polar, at codon 456 of the IFT172 protein (p.Asn456Ile). This variant is present in population databases (rs528303561, gnomAD 0.008%). This variant has not been reported in the literature in individuals affected with IFT172-related conditions. ClinVar contains an entry for this variant (Variation ID: 1485396). Advanced modeling of protein sequence and biophysical properties (such as structural, functional, and spatial information, amino acid conservation, physicochemical variation, residue mobility, and thermodynamic stability) performed at Invitae indicates that this missense variant is not expected to disrupt IFT172 protein function with a negative predictive value of 80%. In summary, the available evidence is currently insufficient to determine the role of this variant in disease. Therefore, it has been classified as a Variant of Uncertain Significance.

Fulgent Genetics
Classification: Uncertain significance for Short-rib thoracic dysplasia 10 with or without polydactyly; Retinitis pigmentosa 71; Bardet-Biedl syndrome 20. Last evaluated: 2021-09-20. Review status: criteria provided, single submitter. Criteria: ACMG Guidelines, 2015. Collection method: clinical testing. Allele origin: unknown.

PreventionGenetics, part of Exact Sciences
Classification: Uncertain significance for IFT172-related condition. Last evaluated: 2024-02-29. Review status: no assertion criteria provided. Collection method: clinical testing. Allele origin: germline. Not counted in ClinVar's aggregate classification.
Comment: The IFT172 c.1367A>T variant is predicted to result in the amino acid substitution p.Asn456Ile. To our knowledge, this variant has not been reported in the literature. This variant is reported in 0.0080% of alleles in individuals of African descent in gnomAD. At this time, the clinical significance of this variant is uncertain due to the absence of conclusive functional and genetic evidence.